The following is an entry in ClinVar:

NM_014861.4(ATP2C2):c.573C>A (p.Val191=)

Gene: ATP2C2 (ATPase secretory pathway Ca2+ transporting 2; plus strand). Cytogenetic location: 16q24.1.
Variant type: single nucleotide variant.
Coding change: c.573C>A on transcript NM_014861.4 (MANE Select); coding-DNA position 573, C replaced by A.
Protein change: p.Val191=; no amino-acid change (valine 191 retained).
Molecular consequence: synonymous variant.
Genome position (GRCh38, 1-based): chr16:84,415,540, C>A. VCF-style: chr16-84415540-C-A. GRCh37 (hg19) VCF-style: chr16-84449146-C-A.
Other names: c.573C>A, p.Val191= (NM_001286527.3); c.120C>A, p.Val40= (NM_001291454.2); c.573C>A (NM_014861.3).
Identifiers: ClinVar variation 2723351 (VCV002723351.4), dbSNP rs375031013, ClinGen allele CA8206776.

ClinVar aggregate classification (germline): Likely benign. Review status: criteria provided, single submitter (1 of 4 stars). 2 submissions from 2 submitters: Likely benign (1). 1 of the submissions does not count toward it. Last evaluated 2024-01-18.

Conditions:
ATP2C2-related disorder. Also called: ATP2C2-related condition.

Allele frequency attached by ClinVar (database versions not stated): TOPMed 0.00006.
gnomAD v4.1: 90 of 1,614,030 alleles (0.0056%); highest among the groups gnomAD compares: Admixed American, 0.01%; no homozygotes.

Submissions (2):

Labcorp Genetics (formerly Invitae), Labcorp
Classification: Likely benign. Last evaluated: 2024-01-18. Review status: criteria provided, single submitter. Criteria: Invitae Variant Classification Sherloc (09022015). Collection method: clinical testing. Allele origin: germline.

PreventionGenetics, part of Exact Sciences
Classification: Likely benign for ATP2C2-related condition. Last evaluated: 2019-05-08. Review status: no assertion criteria provided. Collection method: clinical testing. Allele origin: germline. Not counted in ClinVar's aggregate classification.
Comment: This variant is classified as likely benign based on ACMG/AMP sequence variant interpretation guidelines (Richards et al. 2015 PMID: 25741868, with internal and published modifications).